The following is an entry in ClinVar:

ClinVar aggregate classification (germline): Likely benign (1 of 4 stars; one submission).

gnomAD v4.1: 13 of 1,614,074 alleles (0.00081%); highest among the groups gnomAD compares: Non-Finnish European, 0.0011%; no homozygotes.

Submission:

CeGaT Center for Human Genetics Tuebingen
Classification: Likely benign. Last evaluated: 2025-07-01. Review status: criteria provided, single submitter. Criteria: CeGaT Center For Human Genetics Tuebingen Variant Classification Criteria Version 2. Collection method: clinical testing. Allele origin: germline. Affected: yes. Observed: 1 variant allele.
Comment: POU3F3: BP4, BP7

NM_006236.3(POU3F3):c.1140G>A (p.Leu380=)

Gene: POU3F3 (POU class 3 homeobox 3; plus strand). Cytogenetic location: 2q12.1.
Variant type: single nucleotide variant.
Coding change: c.1140G>A on transcript NM_006236.3 (MANE Select); coding-DNA position 1140, G replaced by A.
Protein change: p.Leu380=; no amino-acid change (leucine 380 retained).
Molecular consequence: synonymous variant.
Genome position (GRCh38, 1-based): chr2:104,856,650, G>A. VCF-style: chr2-104856650-G-A. GRCh37 (hg19) VCF-style: chr2-105473108-G-A.
Other names: c.1140G>A, p.Leu380= (NM_001433704.1).
Identifiers: ClinVar variation 4084106 (VCV004084106.8).